The following is an entry in ClinVar:

NM_012254.3(SLC27A5):c.450C>T (p.Ala150=)

Gene: SLC27A5 (solute carrier family 27 member 5; minus strand). Cytogenetic location: 19q13.43.
Variant type: single nucleotide variant.
Coding change: c.450C>T on transcript NM_012254.3 (MANE Select); coding-DNA position 450, C replaced by T.
Protein change: p.Ala150=; no amino-acid change (alanine 150 retained).
Molecular consequence: synonymous variant. On other transcripts: intron variant (1).
Genome position (GRCh38, 1-based): chr19:58,511,506, G>A on the plus strand (C>T on the coding strand, the complement: SLC27A5 is on the minus strand). VCF-style: chr19-58511506-G-A. GRCh37 (hg19) VCF-style: chr19-59022873-G-A.
Other names: c.450C>T (NM_012254.2); c.436+14C>T (NM_001321196.2).
Identifiers: ClinVar variation 2713780 (VCV002713780.5), dbSNP rs200537300, ClinGen allele CA9718281.
Genomic context (GRCh38, chr19:58,511,506, plus strand): 5'-ACACAGGCTCGCAGGGTCACCCAGCTCAGCCTTCAGGGCCCATGCCGCCTGGCAGGCCCG[G>A]GCATCCAGCTCACCAAAGGTGACTGAGCCGGCCCCAGGCCCCGTCCACACCAAGAGTGCC-3'
Protein context (NP_036386.1, residues 140-160): AGSVTFGELD[Ala150=]RACQAAWALK

ClinVar aggregate classification (germline): Likely benign. Review status: criteria provided, single submitter (1 of 4 stars). 2 submissions from 2 submitters: Likely benign (1). 1 of the submissions does not count toward it. Last evaluated 2025-05-23.

Conditions:
SLC27A5-related disorder. Also called: SLC27A5-related condition.

Allele frequency attached by ClinVar (database versions not stated): ExAC 0.00017; gnomAD 0.00021; TOPMed 0.00029; 1000 Genomes Project 30x 0.00078; 1000 Genomes Project 0.00080.
gnomAD v4.1: 168 of 1,572,120 alleles (0.011%); highest among the groups gnomAD compares: Admixed American, 0.13%; no homozygotes.

Submissions (2):

Labcorp Genetics (formerly Invitae), Labcorp
Classification: Likely benign. Last evaluated: 2025-05-23. Review status: criteria provided, single submitter. Criteria: Invitae Variant Classification Sherloc (09022015). Collection method: clinical testing. Allele origin: germline.

PreventionGenetics, part of Exact Sciences
Classification: Likely benign for SLC27A5-related condition. Last evaluated: 2021-08-20. Review status: no assertion criteria provided. Collection method: clinical testing. Allele origin: germline. Not counted in ClinVar's aggregate classification.
Comment: This variant is classified as likely benign based on ACMG/AMP sequence variant interpretation guidelines (Richards et al. 2015 PMID: 25741868, with internal and published modifications).